The following is an entry in ClinVar:

ClinVar aggregate classification (germline): Conflicting classifications of pathogenicity. Review status: criteria provided, conflicting classifications (1 of 4 stars). 2 submissions from 2 submitters: Pathogenic (1); Uncertain significance (1). Last evaluated 2025-10-27.

Conditions:
Familial hypocalciuric hypercalcemia (FHH). Also called: Familial benign hypercalcemia. Identifiers: Orphanet 405, MedGen C1809471, MONDO:0018458.
Autosomal dominant hypocalcemia 1 (HYPOC1). Also called: HYPOCALCEMIA, FAMILIAL. Identifiers: MedGen C3715128, MONDO:0011013, OMIM 601198.

Submissions (2):

Labcorp Genetics (formerly Invitae), Labcorp
Classification: Pathogenic for Familial hypocalciuric hypercalcemia; Autosomal dominant hypocalcemia 1. Last evaluated: 2025-10-27. Review status: criteria provided, single submitter. Criteria: Invitae Variant Classification Sherloc (09022015). Collection method: clinical testing. Allele origin: germline.
Comment: This sequence change replaces aspartic acid, which is acidic and polar, with valine, which is neutral and non-polar, at codon 126 of the CASR protein (p.Asp126Val). This variant is not present in population databases (gnomAD no frequency). This missense change has been observed in individual(s) with autosomal dominant hypocalcemia (PMID: 29743878). It has also been observed to segregate with disease in related individuals. Invitae Evidence Modeling of clinical and family history, age, sex, and reported ancestry of multiple individuals with this CASR variant has been performed. This variant is expected to be pathogenic with a positive predictive value of at least 99%. This is a validated machine learning model that incorporates the clinical features of 646,172 individuals referred to our laboratory for CASR testing. ClinVar contains an entry for this variant (Variation ID: 446998). An algorithm developed to predict the effect of missense changes on protein structure and function (PolyPhen-2) suggests that this variant is likely to be disruptive. Experimental studies have shown that this missense change affects CASR function (PMID: 29743878). For these reasons, this variant has been classified as Pathogenic.

Athena Diagnostics
Classification: Uncertain significance. Last evaluated: 2017-05-19. Review status: criteria provided, single submitter. Criteria: Athena Diagnostics Criteria. Collection method: clinical testing. Allele origin: germline.

Literature cited by the submitters: PubMed 29743878 (cited by Labcorp Genetics (formerly Invitae), Labcorp).

NM_000388.4(CASR):c.377A>T (p.Asp126Val)

Gene: CASR (calcium sensing receptor; plus strand). Cytogenetic location: 3q21.1.
Variant type: single nucleotide variant.
Coding change: c.377A>T on transcript NM_000388.4 (MANE Select); coding-DNA position 377, A replaced by T.
Protein change: p.Asp126Val; replaces aspartic acid 126 with valine.
Molecular consequence: missense variant.
Genome position (GRCh38, 1-based): chr3:122,257,272, A>T. VCF-style: chr3-122257272-A-T. GRCh37 (hg19) VCF-style: chr3-121976119-A-T.
Other names: c.377A>T, p.Asp126Val (NM_001178065.2); short protein forms D126V.
Identifiers: ClinVar variation 446998 (VCV000446998.4), dbSNP rs1553766257, ClinGen allele CA354362770.
Genomic context (GRCh38, chr3:122,257,272, plus strand): 5'-AGGCCTTGGAAGCCACCCTGAGTTTTGTTGCTCAAAACAAAATTGATTCTTTGAACCTTG[A>T]TGAGTTCTGCAACTGCTCAGAGCACATTCCCTCTACGATTGCTGTGGTGGGAGCAACTGG-3'
Protein context (NP_000379.3, residues 116-136): AQNKIDSLNL[Asp126Val]EFCNCSEHIP